The following is an entry in ClinVar:

NM_000321.3(RB1):c.399C>T (p.Asn133=)

Gene: RB1 (RB transcriptional corepressor 1; plus strand). Cytogenetic location: 13q14.2.
Variant type: single nucleotide variant.
Coding change: c.399C>T on transcript NM_000321.3 (MANE Select); coding-DNA position 399, C replaced by T.
Protein change: p.Asn133=; no amino-acid change (asparagine 133 retained).
Molecular consequence: synonymous variant.
Genome position (GRCh38, 1-based): chr13:48,345,098, C>T. VCF-style: chr13-48345098-C-T. GRCh37 (hg19) VCF-style: chr13-48919234-C-T.
Identifiers: ClinVar variation 416493 (VCV000416493.16), dbSNP rs765277265, ClinGen allele CA16613997.

ClinVar aggregate classification (germline): Benign/Likely benign. Review status: criteria provided, multiple submitters, no conflicts (2 of 4 stars). 5 submissions from 5 submitters: Benign (1); Likely benign (4). Last evaluated 2026-06-23.

Conditions:
Hereditary cancer-predisposing syndrome. Also called: Hereditary Cancer Syndrome; Neoplastic Syndromes, Hereditary; Hereditary neoplastic syndrome; Tumor predisposition. Identifiers: Orphanet 140162, MedGen C0027672, MeSH D009386, MONDO:0015356.
Retinoblastoma (RB1). Also called: RETINOBLASTOMA, SOMATIC. Identifiers: Orphanet 790, MedGen C0035335, MeSH D012175, MONDO:0008380, OMIM 180200, HP:0009919. Disease mechanism: loss of function. Inheritance: Both sporadic and heritable forms are tested..

Allele frequency attached by ClinVar (database versions not stated): gnomAD 0.00001; gnomAD exomes 0.00004 and 0.00002.
gnomAD v4.1: 51 of 1,611,592 alleles (0.0032%); highest among the groups gnomAD compares: Non-Finnish European, 0.0042%; 1 homozygote.

Submissions (5):

Myriad Genetics, Inc.
Classification: Benign for Retinoblastoma. Last evaluated: 2026-06-23. Review status: criteria provided, single submitter. Criteria: Myriad Autosomal Dominant, Autosomal Recessive and X-Linked Classification Criteria (2023). Collection method: clinical testing. Allele origin: unknown.
Comment: This variant is considered benign. This variant is a silent/synonymous amino acid change and it is not expected to impact splicing.

Labcorp Genetics (formerly Invitae), Labcorp
Classification: Likely benign for Retinoblastoma. Last evaluated: 2025-11-21. Review status: criteria provided, single submitter. Criteria: Invitae Variant Classification Sherloc (09022015). Collection method: clinical testing. Allele origin: germline.

All of Us Research Program, National Institutes of Health
Classification: Likely benign for Retinoblastoma. Last evaluated: 2023-10-02. Review status: criteria provided, single submitter. Criteria: ACMG Guidelines, 2015. Collection method: clinical testing. Allele origin: germline. Inheritance: Autosomal dominant inheritance. Observed: 3 variant alleles, 3 heterozygotes.
Comment: This study involves interpretation of variants in research participants for the purpose of population health screening. Participant phenotype was not available at the time of variant classification. Additional details can be found in publication PMID: 35346344, PMCID: PMC8962531

Color Diagnostics, LLC DBA Color Health
Classification: Likely benign for Retinoblastoma. Last evaluated: 2022-04-26. Review status: criteria provided, single submitter. Criteria: ACMG Guidelines, 2015. Collection method: clinical testing. Allele origin: germline.

Ambry Genetics
Classification: Likely benign for Hereditary cancer-predisposing syndrome. Last evaluated: 2019-06-06. Review status: criteria provided, single submitter. Criteria: Ambry Variant Classification Scheme 2023. Collection method: clinical testing. Allele origin: germline.